The following is an entry in ClinVar:

NM_015662.3(IFT172):c.2459A>T (p.Glu820Val)

Gene: IFT172 (intraflagellar transport 172; minus strand). Cytogenetic location: 2p23.3.
Variant type: single nucleotide variant.
Coding change: c.2459A>T on transcript NM_015662.3 (MANE Select); coding-DNA position 2459, A replaced by T.
Protein change: p.Glu820Val; replaces glutamic acid 820 with valine.
Molecular consequence: missense variant.
Genome position (GRCh38, 1-based): chr2:27,461,077, T>A on the plus strand (A>T on the coding strand, the complement: IFT172 is on the minus strand). VCF-style: chr2-27461077-T-A. GRCh37 (hg19) VCF-style: chr2-27683944-T-A.
Other names: c.2459A>T (NM_015662.1); short protein forms E820V.
Identifiers: ClinVar variation 1351049 (VCV001351049.7), dbSNP rs1666622337, ClinGen allele CA346383734.

ClinVar aggregate classification (germline): Uncertain significance. Review status: criteria provided, multiple submitters, no conflicts (2 of 4 stars). 2 submissions from 2 submitters: Uncertain significance (2). Last evaluated 2026-05-11.

Conditions:
Inborn genetic diseases. Identifiers: MedGen C0950123, MeSH D030342.
Short-rib thoracic dysplasia 10 with or without polydactyly (SRTD10). Identifiers: Orphanet 474, MedGen C3810175, MONDO:0014284, OMIM 615630.
Retinitis pigmentosa 71 (RP71). Identifiers: Orphanet 791, MedGen C4225342, MONDO:0014618, OMIM 616394.

Allele frequency attached by ClinVar (database versions not stated): gnomAD exomes below 0.00001.
gnomAD v4.1: 2 of 1,614,114 alleles (0.00012%); highest among the groups gnomAD compares: Non-Finnish European, 0.00017%; no homozygotes.

Submissions (2):

Ambry Genetics
Classification: Uncertain significance for Inborn genetic diseases. Last evaluated: 2026-05-11. Review status: criteria provided, single submitter. Criteria: Ambry Variant Classification Scheme 2023. Collection method: clinical testing. Allele origin: germline.

Labcorp Genetics (formerly Invitae), Labcorp
Classification: Uncertain significance for Retinitis pigmentosa 71; Short-rib thoracic dysplasia 10 with or without polydactyly. Last evaluated: 2021-11-11. Review status: criteria provided, single submitter. Criteria: Invitae Variant Classification Sherloc (09022015). Collection method: clinical testing. Allele origin: germline.
Comment: In summary, the available evidence is currently insufficient to determine the role of this variant in disease. Therefore, it has been classified as a Variant of Uncertain Significance. Algorithms developed to predict the effect of missense changes on protein structure and function are either unavailable or do not agree on the potential impact of this missense change (SIFT: "Deleterious"; PolyPhen-2: "Possibly Damaging"; Align-GVGD: "Class C0"). This variant has not been reported in the literature in individuals affected with IFT172-related conditions. This variant is not present in population databases (gnomAD no frequency). This sequence change replaces glutamic acid, which is acidic and polar, with valine, which is neutral and non-polar, at codon 820 of the IFT172 protein (p.Glu820Val).